The following is an entry in ClinVar:

ClinVar aggregate classification (germline): Uncertain significance (1 of 4 stars; one submission).

gnomAD v4.1: 1 of 1,613,826 alleles (0.000062%); highest among the groups gnomAD compares: Non-Finnish European, 0.000085%; no homozygotes.

Submission:

Women's Health and Genetics/Laboratory Corporation of America, LabCorp
Classification: Uncertain significance. Last evaluated: 2025-04-30. Review status: criteria provided, single submitter. Criteria: LabCorp Variant Classification Summary - May 2015. Collection method: clinical testing. Allele origin: germline.
Comment: Variant summary: PKHD1 c.10444C>A (p.Arg3482Ser) results in a non-conservative amino acid change in the encoded protein sequence. Three of five in-silico tools predict a damaging effect of the variant on protein function. The variant allele was found at a frequency of 6.2e-07 in 1606856 control chromosomes (gnomAD v4.1). The available data on variant occurrences in the general population are insufficient to allow any conclusion about variant significance. To our knowledge, no occurrence of c.10444C>A in individuals affected with Polycystic Kidney And Hepatic Disease and no experimental evidence demonstrating its impact on protein function have been reported. A different missense variant affecting the same codon has been determined to be pathogenic by our lab (c.10444C>T, p.Arg3482Cys), supporting the critical relevance of codon 3482 to PKHD1 protein function. No submitters have cited clinical-significance assessments for this variant to ClinVar. Based on the evidence outlined above, the variant was classified as uncertain significance.

NM_138694.4(PKHD1):c.10444C>A (p.Arg3482Ser)

Gene: PKHD1 (PKHD1 ciliary IPT domain containing fibrocystin/polyductin; minus strand). Cytogenetic location: 6p12.3.
Variant type: single nucleotide variant.
Coding change: c.10444C>A on transcript NM_138694.4 (MANE Select); coding-DNA position 10444, C replaced by A.
Protein change: p.Arg3482Ser; replaces arginine 3482 with serine.
Molecular consequence: missense variant.
Genome position (GRCh38, 1-based): chr6:51,659,682, G>T on the plus strand (C>A on the coding strand, the complement: PKHD1 is on the minus strand). VCF-style: chr6-51659682-G-T. GRCh37 (hg19) VCF-style: chr6-51524480-G-T.
Other names: short protein forms R3482S.
Identifiers: ClinVar variation 3896592 (VCV003896592.2).
Genomic context (GRCh38, chr6:51,659,682, plus strand): 5'-CATGGTAGAATACAGCCAAGAGAAGCTTGGAGGTACTTTTGTTCCCCAATAGAAAAAAGC[G>T]CAAAACTTGAGGAGTTTGATCCATGAAGCAGACTTTGGTGATTTGCCTGATGGGTAAGAT-3'
Protein context (NP_619639.3, residues 3472-3492): CFMDQTPQVL[Arg3482Ser]FFLLGNKSTS